The following is an entry in ClinVar:

ClinVar aggregate classification (germline): Uncertain significance. Review status: criteria provided, multiple submitters, no conflicts (2 of 4 stars). 2 submissions from 2 submitters: Uncertain significance (2). Last evaluated 2026-01-21.

Conditions:
Hereditary cancer-predisposing syndrome. Also called: Tumor predisposition; Hereditary neoplastic syndrome; Neoplastic Syndromes, Hereditary; Hereditary Cancer Syndrome. Identifiers: Orphanet 140162, MedGen C0027672, MeSH D009386, MONDO:0015356.

Allele frequency attached by ClinVar (database versions not stated): TOPMed 0.00001.
gnomAD v4.1: 1 of 1,613,958 alleles (0.000062%); highest among the groups gnomAD compares: Non-Finnish European, 0.000085%; no homozygotes.

Submissions (2):

Labcorp Genetics (formerly Invitae), Labcorp
Classification: Uncertain significance. Last evaluated: 2026-01-21. Review status: criteria provided, single submitter. Criteria: Invitae Variant Classification Sherloc (09022015). Collection method: clinical testing. Allele origin: germline.
Comment: This sequence change replaces phenylalanine, which is neutral and non-polar, with cysteine, which is neutral and slightly polar, at codon 837 of the POLE protein (p.Phe837Cys). This variant is present in population databases (no rsID available, gnomAD 0.007%). This variant has not been reported in the literature in individuals affected with POLE-related conditions. ClinVar contains an entry for this variant (Variation ID: 857626). Invitae Evidence Modeling of protein sequence and biophysical properties (such as structural, functional, and spatial information, amino acid conservation, physicochemical variation, residue mobility, and thermodynamic stability) indicates that this missense variant is not expected to disrupt POLE protein function with a negative predictive value of 80%. RNA analysis performed to evaluate the impact of this missense change on mRNA splicing indicates it does not significantly alter splicing (internal data). In summary, the available evidence is currently insufficient to determine the role of this variant in disease. Therefore, it has been classified as a Variant of Uncertain Significance.

Ambry Genetics
Classification: Uncertain significance for Hereditary cancer-predisposing syndrome. Last evaluated: 2025-02-26. Review status: criteria provided, single submitter. Criteria: Ambry Variant Classification Scheme 2023. Collection method: clinical testing. Allele origin: germline.
Comment: The p.F837C variant (also known as c.2510T>G), located in coding exon 22 of the POLE gene, results from a T to G substitution at nucleotide position 2510. The phenylalanine at codon 837 is replaced by cysteine, an amino acid with highly dissimilar properties. This amino acid position is conserved. In addition, this alteration is predicted to be tolerated by in silico analysis. Based on the available evidence, the clinical significance of this variant remains unclear.

NM_006231.4(POLE):c.2510T>G (p.Phe837Cys)

Gene: POLE (DNA polymerase epsilon, catalytic subunit; minus strand). Cytogenetic location: 12q24.33.
Variant type: single nucleotide variant.
Coding change: c.2510T>G on transcript NM_006231.4 (MANE Select); coding-DNA position 2510, T replaced by G.
Protein change: p.Phe837Cys; replaces phenylalanine 837 with cysteine.
Molecular consequence: missense variant.
Genome position (GRCh38, 1-based): chr12:132,664,421, A>C on the plus strand (T>G on the coding strand, the complement: POLE is on the minus strand). VCF-style: chr12-132664421-A-C. GRCh37 (hg19) VCF-style: chr12-133241007-A-C.
Other names: short protein forms F837C.
Identifiers: ClinVar variation 857626 (VCV000857626.10), dbSNP rs139182500, ClinGen allele CA387396457.